The following is an entry in ClinVar:

NM_004656.4(BAP1):c.1309C>A (p.Leu437Met)

Gene: BAP1 (BRCA1 associated deubiquitinase 1; minus strand). Cytogenetic location: 3p21.1.
Variant type: single nucleotide variant.
Coding change: c.1309C>A on transcript NM_004656.4 (MANE Select); coding-DNA position 1309, C replaced by A.
Protein change: p.Leu437Met; replaces leucine 437 with methionine.
Molecular consequence: missense variant.
Genome position (GRCh38, 1-based): chr3:52,403,836, G>T on the plus strand (C>A on the coding strand, the complement: BAP1 is on the minus strand). VCF-style: chr3-52403836-G-T. GRCh37 (hg19) VCF-style: chr3-52437852-G-T.
Other names: c.1255C>A, p.Leu419Met (NM_001410772.1); short protein forms L437M, L419M.
Identifiers: ClinVar variation 1769592 (VCV001769592.2), dbSNP rs1313425003, ClinGen allele CA353102198.

ClinVar aggregate classification (germline): Uncertain significance (1 of 4 stars; one submission).

Conditions:
Hereditary cancer-predisposing syndrome. Also called: Hereditary Cancer Syndrome; Hereditary neoplastic syndrome; Neoplastic Syndromes, Hereditary; Tumor predisposition. Identifiers: Orphanet 140162, MedGen C0027672, MeSH D009386, MONDO:0015356.

Submission:

Ambry Genetics
Classification: Uncertain significance for Hereditary cancer-predisposing syndrome. Last evaluated: 2022-08-15. Review status: criteria provided, single submitter. Criteria: Ambry Variant Classification Scheme 2023. Collection method: clinical testing. Allele origin: germline.
Comment: The p.L437M variant (also known as c.1309C>A), located in coding exon 13 of the BAP1 gene, results from a C to A substitution at nucleotide position 1309. The leucine at codon 437 is replaced by methionine, an amino acid with highly similar properties. This amino acid position is conserved. In addition, this alteration is predicted to be tolerated by in silico analysis. Since supporting evidence is limited at this time, the clinical significance of this alteration remains unclear.